The following is an entry in ClinVar:

ClinVar aggregate classification (germline): Pathogenic (1 of 4 stars; one submission).

Conditions:
Hypokalemic periodic paralysis, type 1. Also called: Hypokalemic Periodic Paralysis Type 1 (AD); HypoPP. Identifiers: Orphanet 681, MedGen C3714580, MONDO:0042979, OMIM 170400.
Malignant hyperthermia, susceptibility to, 5 (MHS5). Also called: CACNA1S-Related Malignant Hyperthermia Susceptibility. Identifiers: Orphanet 423, MedGen C1866077, MONDO:0011163, OMIM 601887.

Allele frequency attached by ClinVar (database versions not stated): ExAC 0.00001; ESP Exome Variant Server 0.00008.

Submission:

Labcorp Genetics (formerly Invitae), Labcorp
Classification: Pathogenic for Hypokalemic periodic paralysis, type 1; Malignant hyperthermia, susceptibility to, 5. Last evaluated: 2020-01-30. Review status: criteria provided, single submitter. Criteria: Invitae Variant Classification Sherloc (09022015). Collection method: clinical testing. Allele origin: germline.
Comment: For these reasons, this variant has been classified as Pathogenic. Loss-of-function variants in CACNA1S are known to be pathogenic (PMID: 26247046, 28012042). This variant has not been reported in the literature in individuals with CACNA1S-related conditions. This variant is present in population databases (rs374950276, ExAC 0.001%). This sequence change creates a premature translational stop signal (p.Gln7*) in the CACNA1S gene. It is expected to result in an absent or disrupted protein product.

Literature cited by the submitters: PubMed 26247046; PubMed 28012042.

NM_000069.3(CACNA1S):c.19C>T (p.Gln7Ter)

Gene: CACNA1S (calcium voltage-gated channel subunit alpha1 S; minus strand). Cytogenetic location: 1q32.1.
Variant type: single nucleotide variant.
Coding change: c.19C>T on transcript NM_000069.3 (MANE Select); coding-DNA position 19, C replaced by T.
Protein change: p.Gln7Ter; replaces glutamine 7 with a stop codon.
Molecular consequence: nonsense.
Genome position (GRCh38, 1-based): chr1:201,112,321, G>A on the plus strand (C>T on the coding strand, the complement: CACNA1S is on the minus strand). VCF-style: chr1-201112321-G-A. GRCh37 (hg19) VCF-style: chr1-201081449-G-A.
Other names: short protein forms Q7*.
Identifiers: ClinVar variation 854887 (VCV000854887.9), dbSNP rs374950276, ClinGen allele CA078741.
Genomic context (GRCh38, chr1:201,112,321, plus strand): 5'-GCCTTGGCAGAATCTCAGGAACTGGCTTCTTGGGCTGTTTCTTCCTCAGGCCTTCATCCT[G>A]GGGTGAGGATGGCTCCATGGCTTCCCTGGGAATCTGGCTTTCTCCTGCTCCCCCACCCCA-3'